The following is an entry in ClinVar:

NM_016529.6(ATP8A2):c.815G>T (p.Arg272Ile)

Gene: ATP8A2 (ATPase phospholipid transporting 8A2). Cytogenetic location: 13q12.13.
Variant type: single nucleotide variant.
Coding change: c.815G>T on transcript NM_016529.6 (MANE Select); coding-DNA position 815, G replaced by T.
Protein change: p.Arg272Ile; replaces arginine 272 with isoleucine.
Molecular consequence: missense variant.
Genome position (GRCh38, 1-based): chr13:25,543,326, G>T. VCF-style: chr13-25543326-G-T. GRCh37 (hg19) VCF-style: chr13-26117464-G-T.
Other names: c.695G>T, p.Arg232Ile (NM_001313741.1); short protein forms R232I, R272I.
Identifiers: ClinVar variation 1450923 (VCV001450923.8), dbSNP rs2138004274, ClinGen allele CA387612432.

ClinVar aggregate classification (germline): Uncertain significance (1 of 4 stars; one submission).

gnomAD v4.1: 1 of 1,612,612 alleles (0.000062%); no homozygotes.

Submission:

Labcorp Genetics (formerly Invitae), Labcorp
Classification: Uncertain significance. Last evaluated: 2022-08-09. Review status: criteria provided, single submitter. Criteria: Invitae Variant Classification Sherloc (09022015). Collection method: clinical testing. Allele origin: germline.
Comment: This sequence change replaces arginine, which is basic and polar, with isoleucine, which is neutral and non-polar, at codon 272 of the ATP8A2 protein (p.Arg272Ile). This variant is not present in population databases (gnomAD no frequency). In summary, the available evidence is currently insufficient to determine the role of this variant in disease. Therefore, it has been classified as a Variant of Uncertain Significance. Algorithms developed to predict the effect of missense changes on protein structure and function are either unavailable or do not agree on the potential impact of this missense change (SIFT: "Deleterious"; PolyPhen-2: "Probably Damaging"; Align-GVGD: "Class C0"). ClinVar contains an entry for this variant (Variation ID: 1450923). This variant has not been reported in the literature in individuals affected with ATP8A2-related conditions.